The following is an entry in ClinVar:

ClinVar aggregate classification (germline): Conflicting classifications of pathogenicity. Review status: criteria provided, conflicting classifications (1 of 4 stars). 3 submissions from 3 submitters: Uncertain significance (2); Likely benign (1). Last evaluated 2026-07-21.

Conditions:
TTN-related disorder. Also called: TTN-related condition; TTN-related disease; TTN-related disorders.
Cardiovascular phenotype. Identifiers: MedGen CN230736.

Allele frequency attached by ClinVar (database versions not stated): gnomAD exomes below 0.00001; gnomAD 0.00001; TOPMed 0.00002.

Submissions (3):

PreventionGenetics, part of Exact Sciences
Classification: Uncertain significance for TTN-related condition. Last evaluated: 2026-07-21. Review status: criteria provided, single submitter. Criteria: ACMG Guidelines, 2015. Collection method: clinical testing. Allele origin: germline.
Comment: The TTN c.90246A>G variant is predicted to result in the amino acid substitution p.Ile30082Met. To our knowledge, this variant has not been reported in the literature. This variant is reported in 0.011% of alleles in individuals of African descent in gnomAD. At this time, the clinical significance of this variant is uncertain due to the absence of conclusive functional and genetic evidence.

Stanford Center for Inherited Cardiovascular Disease, Stanford University
Classification: Uncertain significance. Last evaluated: 2013-10-16. Review status: criteria provided, single submitter. Criteria: ACMG Guidelines, 2015. Collection method: provider interpretation. Allele origin: germline.

Ambry Genetics
Classification: Likely benign for Cardiovascular phenotype. Last evaluated: 2012-12-17. Review status: criteria provided, single submitter. Criteria: Ambry Autosomal Dominant and X-Linked criteria (10/2015). Collection method: clinical testing. Allele origin: germline. Observed: 1 variant allele.

NM_001267550.2(TTN):c.90246A>G (p.Ile30082Met)

Genes: TTN (titin; minus strand), TTN-AS1 (TTN antisense RNA 1; plus strand). Cytogenetic location: 2q31.2.
Variant type: single nucleotide variant.
Coding change: c.90246A>G on transcript NM_001267550.2 (MANE Select); coding-DNA position 90246, A replaced by G.
Protein change: p.Ile30082Met; replaces isoleucine 30082 with methionine.
Molecular consequence: missense variant.
Genome position (GRCh38, 1-based): chr2:178,552,654, T>C on the plus strand (A>G on the coding strand, the complement: TTN is on the minus strand). VCF-style: chr2-178552654-T-C. GRCh37 (hg19) VCF-style: chr2-179417381-T-C.
Other names: c.85323A>G, p.Ile28441Met (NM_001256850.1); c.63051A>G, p.Ile21017Met (NM_003319.4); c.82542A>G, p.Ile27514Met (NM_133378.4); c.63426A>G, p.Ile21142Met (NM_133432.3); c.63627A>G, p.Ile21209Met (NM_133437.4); short protein forms I27514M, I30082M, I21142M, I28441M, I21209M, I21017M.
Identifiers: ClinVar variation 263456 (VCV000263456.6), dbSNP rs886038812, ClinGen allele CA10587452.
Genomic context (GRCh38, chr2:178,552,654, plus strand): 5'-TCTGAACTCCAGGACTGACTGCTCCTTAAGTTGGCTAACCTCAATTTCACATGTCTTACT[T>C]ATGCCAGCGTGGGACCACGTCTGTTCACCTTTACCTTTCCTTTCTACAACATATTCTGTG-3'
Protein context (NP_001254479.2, residues 30072-30092): KGEQTWSHAG[Ile30082Met]SKTCEIEVSQ